The following is an entry in ClinVar:

ClinVar aggregate classification (germline): Uncertain significance (0 of 4 stars; one submission).

Conditions:
KDM6A-related disorder. Also called: KDM6A-related condition.

Submission:

PreventionGenetics, part of Exact Sciences
Classification: Uncertain significance for KDM6A-related condition. Last evaluated: 2023-12-08. Review status: no assertion criteria provided. Collection method: clinical testing. Allele origin: germline.
Comment: The KDM6A c.1811A>G variant is predicted to result in the amino acid substitution p.Asn604Ser. To our knowledge, this variant has not been reported in the literature or in a large population database, indicating this variant is rare. At this time, the clinical significance of this variant is uncertain due to the absence of conclusive functional and genetic evidence.

NM_001291415.2(KDM6A):c.1967A>G (p.Asn656Ser)

Gene: KDM6A (lysine demethylase 6A; plus strand). Cytogenetic location: Xp11.3.
Variant type: single nucleotide variant.
Coding change: c.1967A>G on transcript NM_001291415.2 (MANE Select); coding-DNA position 1967, A replaced by G.
Protein change: p.Asn656Ser; replaces asparagine 656 with serine.
Molecular consequence: missense variant. On other transcripts: non-coding transcript variant (1).
Genome position (GRCh38, 1-based): chrX:45,063,705, A>G. VCF-style: chrX-45063705-A-G. GRCh37 (hg19) VCF-style: chrX-44922950-A-G.
Other names: c.1832A>G, p.Asn611Ser (NM_001291416.2, NM_001419811.1); c.1676A>G, p.Asn559Ser (NM_001291417.2); c.1574A>G, p.Asn525Ser (NM_001291418.2, NM_001419815.1); c.923A>G, p.Asn308Ser (NM_001291421.2); c.1709A>G, p.Asn570Ser (NM_001410742.1, NM_001419814.1); c.1967A>G, p.Asn656Ser (NM_001419809.1); c.1865A>G, p.Asn622Ser (NM_001419810.1, NM_001419813.1); c.1811A>G, p.Asn604Ser (NM_001419812.1, NM_021140.4); short protein forms N308S, N525S, N559S, N570S, N604S, N611S, N622S, N656S.
Identifiers: ClinVar variation 2629152 (VCV002629152.3), dbSNP rs2147997318, ClinGen allele CA412790161.